The following is an entry in ClinVar:

ClinVar aggregate classification (germline): Uncertain significance (1 of 4 stars; one submission).

Conditions:
Cystic fibrosis (CF). Also called: MUCOVISCIDOSIS. Identifiers: Orphanet 586, MedGen C0010674, MONDO:0009061, OMIM 219700. Disease mechanism: loss of function.

Submission:

Labcorp Genetics (formerly Invitae), Labcorp
Classification: Uncertain significance for Cystic fibrosis. Last evaluated: 2022-09-02. Review status: criteria provided, single submitter. Criteria: Invitae Variant Classification Sherloc (09022015). Collection method: clinical testing. Allele origin: germline.
Comment: In summary, the available evidence is currently insufficient to determine the role of this variant in disease. Therefore, it has been classified as a Variant of Uncertain Significance. Algorithms developed to predict the effect of missense changes on protein structure and function are either unavailable or do not agree on the potential impact of this missense change (SIFT: "Tolerated"; PolyPhen-2: "Possibly Damaging"; Align-GVGD: "Class C0"). This variant has not been reported in the literature in individuals affected with CFTR-related conditions. This variant is not present in population databases (gnomAD no frequency). This sequence change replaces valine, which is neutral and non-polar, with aspartic acid, which is acidic and polar, at codon 879 of the CFTR protein (p.Val879Asp).

NM_000492.4(CFTR):c.2636T>A (p.Val879Asp)

Gene: CFTR (CF transmembrane conductance regulator; plus strand). Cytogenetic location: 7q31.2.
Variant type: single nucleotide variant.
Coding change: c.2636T>A on transcript NM_000492.4 (MANE Select); coding-DNA position 2636, T replaced by A.
Protein change: p.Val879Asp; replaces valine 879 with aspartic acid.
Molecular consequence: missense variant.
Genome position (GRCh38, 1-based): chr7:117,602,842, T>A. VCF-style: chr7-117602842-T-A. GRCh37 (hg19) VCF-style: chr7-117242896-T-A.
Other names: short protein forms V879D.
Identifiers: ClinVar variation 1717676 (VCV001717676.5), dbSNP rs1792246201, ClinGen allele CA368985991.